The following is an entry in ClinVar:

NM_177965.4(CFAP418):c.106G>T (p.Gly36Cys)

Genes: CFAP418 (cilia and flagella associated protein 418; minus strand), CFAP418-AS1 (CFAP418 antisense RNA 1; plus strand), LOC130000784 (ATAC-STARR-seq lymphoblastoid active region 27655; plus strand). Cytogenetic location: 8q22.1.
Variant type: single nucleotide variant.
Coding change: c.106G>T on transcript NM_177965.4 (MANE Select); coding-DNA position 106, G replaced by T.
Protein change: p.Gly36Cys; replaces glycine 36 with cysteine.
Molecular consequence: missense variant.
Genome position (GRCh38, 1-based): chr8:95,269,084, C>A on the plus strand (G>T on the coding strand, the complement: CFAP418 is on the minus strand). VCF-style: chr8-95269084-C-A. GRCh37 (hg19) VCF-style: chr8-96281312-C-A.
Other names: c.106G>T, p.Gly36Cys (NM_001363260.1); short protein forms G36C.
Identifiers: ClinVar variation 2105053 (VCV002105053.1), dbSNP rs771784860, ClinGen allele CA4815276.

ClinVar aggregate classification (germline): Uncertain significance (1 of 4 stars; one submission).

Allele frequency attached by ClinVar (database versions not stated): ExAC 0.00001.
gnomAD v4.1: 4 of 1,614,164 alleles (0.00025%); highest among the groups gnomAD compares: Non-Finnish European, 0.00034%; no homozygotes.

Submission:

Labcorp Genetics (formerly Invitae), Labcorp
Classification: Uncertain significance. Last evaluated: 2022-10-25. Review status: criteria provided, single submitter. Criteria: Invitae Variant Classification Sherloc (09022015). Collection method: clinical testing. Allele origin: germline.
Comment: This sequence change replaces glycine, which is neutral and non-polar, with cysteine, which is neutral and slightly polar, at codon 36 of the C8orf37 protein (p.Gly36Cys). This variant is present in population databases (rs771784860, gnomAD 0.002%). This variant has not been reported in the literature in individuals affected with C8orf37-related conditions. Algorithms developed to predict the effect of missense changes on protein structure and function (SIFT, PolyPhen-2, Align-GVGD) all suggest that this variant is likely to be tolerated. In summary, the available evidence is currently insufficient to determine the role of this variant in disease. Therefore, it has been classified as a Variant of Uncertain Significance.